The following is an entry in ClinVar:

ClinVar aggregate classification (germline): Benign/Likely benign. Review status: criteria provided, multiple submitters, no conflicts (2 of 4 stars). 3 submissions from 3 submitters: Benign (1); Likely benign (2). Last evaluated 2025-12-01.

Conditions:
Prostate cancer, hereditary, 9 (HPC9). Identifiers: Orphanet 1331, MedGen C1970250, MONDO:0012597, OMIM 610997.
Hereditary cancer-predisposing syndrome. Also called: Tumor predisposition; Hereditary neoplastic syndrome; Hereditary Cancer Syndrome; Neoplastic Syndromes, Hereditary. Identifiers: Orphanet 140162, MedGen C0027672, MeSH D009386, MONDO:0015356.

Allele frequency attached by ClinVar (database versions not stated): gnomAD exomes below 0.00001; gnomAD 0.00001; TOPMed 0.00001.

Submissions (3):

Labcorp Genetics (formerly Invitae), Labcorp
Classification: Likely benign. Last evaluated: 2025-12-01. Review status: criteria provided, single submitter. Criteria: Invitae Variant Classification Sherloc (09022015). Collection method: clinical testing. Allele origin: germline.

Myriad Genetics, Inc.
Classification: Benign for Prostate cancer, hereditary, 9. Last evaluated: 2024-10-29. Review status: criteria provided, single submitter. Criteria: Myriad Autosomal Dominant, Autosomal Recessive and X-Linked Classification Criteria (2023). Collection method: clinical testing. Allele origin: unknown.
Comment: This variant is considered benign. This variant is a silent/synonymous amino acid change and it is not expected to impact splicing.

Ambry Genetics
Classification: Likely benign for Hereditary cancer-predisposing syndrome. Last evaluated: 2017-11-27. Review status: criteria provided, single submitter. Criteria: Ambry Variant Classification Scheme 2023. Collection method: clinical testing. Allele origin: germline.

NM_006361.6(HOXB13):c.393G>A (p.Pro131=)

Gene: HOXB13 (homeobox B13; minus strand). Cytogenetic location: 17q21.32.
Variant type: single nucleotide variant.
Coding change: c.393G>A on transcript NM_006361.6 (MANE Select); coding-DNA position 393, G replaced by A.
Protein change: p.Pro131=; no amino-acid change (proline 131 retained).
Molecular consequence: synonymous variant.
Genome position (GRCh38, 1-based): chr17:48,728,201, C>T on the plus strand (G>A on the coding strand, the complement: HOXB13 is on the minus strand). VCF-style: chr17-48728201-C-T. GRCh37 (hg19) VCF-style: chr17-46805563-C-T.
Identifiers: ClinVar variation 1052594 (VCV001052594.10), dbSNP rs1480179424, ClinGen allele CA500661827.